The following is an entry in ClinVar:

ClinVar aggregate classification (germline): Uncertain significance (1 of 4 stars; one submission).

Conditions:
Familial cold autoinflammatory syndrome 2 (FCAS2). Identifiers: Orphanet 247868, MedGen C2673198, MONDO:0012724, OMIM 611762.

Submission:

Labcorp Genetics (formerly Invitae), Labcorp
Classification: Uncertain significance for Familial cold autoinflammatory syndrome 2. Last evaluated: 2021-09-10. Review status: criteria provided, single submitter. Criteria: Invitae Variant Classification Sherloc (09022015). Collection method: clinical testing. Allele origin: germline.
Comment: In summary, the available evidence is currently insufficient to determine the role of this variant in disease. Therefore, it has been classified as a Variant of Uncertain Significance. Experimental studies and prediction algorithms are not available or were not evaluated, and the functional significance of this variant is currently unknown. This variant has not been reported in the literature in individuals affected with NLRP12-related conditions. This variant is not present in population databases (ExAC no frequency). This sequence change creates a premature translational stop signal (p.Ala218Argfs*28) in the NLRP12 gene. It is expected to result in an absent or disrupted protein product. However, the current clinical and genetic evidence is not sufficient to establish whether loss-of-function variants in NLRP12 cause disease.

NM_144687.4(NLRP12):c.650dup (p.Ala218fs)

Gene: NLRP12 (NLR family pyrin domain containing 12; minus strand). Cytogenetic location: 19q13.42.
Variant type: Duplication.
Coding change: c.650dup on transcript NM_144687.4 (MANE Select); coding-DNA position 650, one base duplicated (G; older notation c.650dupG).
Protein change: p.Ala218fs; shifts the reading frame from alanine 218.
Molecular consequence: frameshift variant.
Genome position (GRCh38, 1-based): chr19:53,811,009, C duplicated on the plus strand (G on the coding strand, the reverse complement: NLRP12 is on the minus strand); the first of 2 consecutive C bases (chr19:53,811,009-53,811,010); duplicating either gives the same sequence. VCF-style (leftmost placement, unchanged base first): chr19-53811008-G-GC. GRCh37 (hg19) VCF-style: chr19-54314262-G-GC.
Other names: c.650dup, p.Ala218fs (NM_001277126.2, NM_001277129.1); short protein forms A218fs.
Identifiers: ClinVar variation 1521261 (VCV001521261.6), dbSNP rs2122680092, ClinGen allele CA2573156818.